The following is an entry in ClinVar:

ClinVar aggregate classification (germline): Conflicting classifications of pathogenicity. Review status: criteria provided, conflicting classifications (1 of 4 stars). 2 submissions from 2 submitters: Uncertain significance (1); Benign (1). Last evaluated 2026-04-01.

Conditions:
Cataract 1 multiple types. Also called: CATARACT 1, MULTIPLE TYPES, WITH OR WITHOUT MICROCORNEA; CATARACT, DUFFY-LINKED; CATARACT 1, NUCLEAR PROGRESSIVE; CATARACT 1 WITH MICROCORNEA; CATARACT 1, POSTERIOR SUBCAPSULAR, WITH MICROCORNEA; CATARACT 1, STELLATE NUCLEAR, WITH MICROCORNEA. Identifiers: Orphanet 1377, MedGen C1861828, MONDO:0007285, OMIM 116200.
GJA8-related disorder. Also called: GJA8-related condition.

Allele frequency attached by ClinVar (database versions not stated): gnomAD exomes 0.00005; ExAC 0.00007; TOPMed 0.00013; gnomAD 0.00015 and 0.00019; ESP Exome Variant Server 0.00023; 1000 Genomes Project 30x 0.00031; 1000 Genomes Project 0.00040.
gnomAD v4.1: 85 of 1,613,696 alleles (0.0053%); highest among the groups gnomAD compares: Middle Eastern, 0.099%; no homozygotes.

Submissions (2):

PreventionGenetics, part of Exact Sciences
Classification: Uncertain significance for GJA8-related condition. Last evaluated: 2026-04-01. Review status: criteria provided, single submitter. Criteria: ACMG Guidelines, 2015. Collection method: clinical testing. Allele origin: germline.
Comment: The GJA8 c.1157C>T variant is predicted to result in the amino acid substitution p.Pro386Leu. To our knowledge, this variant has not been reported in the literature. This variant is present in 0.044% of alleles in individuals of African descent in gnomAD. At this time, the clinical significance of this variant is uncertain due to the absence of conclusive functional and genetic evidence.

Illumina Laboratory Services, Illumina
Classification: Benign for Cataract 1 multiple types. Last evaluated: 2018-01-13. Review status: criteria provided, single submitter. Criteria: ICSL Variant Classification Criteria 13 December 2019. Collection method: clinical testing. Allele origin: germline.
Comment: This variant was observed in the ICSL laboratory as part of a predisposition screen in an ostensibly healthy population. It had not been previously curated by ICSL or reported in the Human Gene Mutation Database (HGMD: prior to June 1st, 2018), and was therefore a candidate for classification through an automated scoring system. Utilizing variant allele frequency, disease prevalence and penetrance estimates, and inheritance mode, an automated score was calculated to assess if this variant is too frequent to cause the disease. Based on the score and internal cut-off values, a variant classified as benign is not then subjected to further curation. The score for this variant resulted in a classification of benign for this disease.

NM_005267.5(GJA8):c.1157C>T (p.Pro386Leu)

Gene: GJA8 (gap junction protein alpha 8; plus strand). Cytogenetic location: 1q21.2.
Variant type: single nucleotide variant.
Coding change: c.1157C>T on transcript NM_005267.5 (MANE Select); coding-DNA position 1157, C replaced by T.
Protein change: p.Pro386Leu; replaces proline 386 with leucine.
Molecular consequence: missense variant.
Genome position (GRCh38, 1-based): chr1:147,909,112, C>T. VCF-style: chr1-147909112-C-T. GRCh37 (hg19) VCF-style: chr1-147381239-C-T.
Other names: short protein forms P386L.
Identifiers: ClinVar variation 874254 (VCV000874254.5), dbSNP rs149146673, ClinGen allele CA1066108.